The following is an entry in ClinVar:

NM_003590.5(CUL3):c.247G>T (p.Glu83Ter)

Gene: CUL3 (cullin 3; minus strand). Cytogenetic location: 2q36.2.
Variant type: single nucleotide variant.
Coding change: c.247G>T on transcript NM_003590.5 (MANE Select); coding-DNA position 247, G replaced by T.
Protein change: p.Glu83Ter; replaces glutamic acid 83 with a stop codon.
Molecular consequence: nonsense. On other transcripts: intron variant (1).
Genome position (GRCh38, 1-based): chr2:224,557,676, C>A on the plus strand (G>T on the coding strand, the complement: CUL3 is on the minus strand). VCF-style: chr2-224557676-C-A. GRCh37 (hg19) VCF-style: chr2-225422393-C-A.
Other names: c.265G>T, p.Glu89Ter (NM_001257198.2); c.67-22035G>T (NM_001257197.2); short protein forms E83*, E89*.
Identifiers: ClinVar variation 3255215 (VCV003255215.2), dbSNP rs1417750087.

ClinVar aggregate classification (germline): Pathogenic (1 of 4 stars; one submission).

Conditions:
Neurodevelopmental disorder with or without autism or seizures (NEDAUS). Identifiers: MedGen C5543225, MONDO:0030994, OMIM 619239.

Submission:

Victorian Clinical Genetics Services, Murdoch Childrens Research Institute
Classification: Pathogenic for Neurodevelopmental disorder with or without autism or seizures. Last evaluated: 2024-09-19. Review status: criteria provided, single submitter. Criteria: ACMG Guidelines, 2015. Collection method: clinical testing. Allele origin: germline. Inheritance: Autosomal dominant inheritance. Affected: yes.
Comment: Based on the classification scheme VCGS_Germline_v1.3.4, this variant is classified as Pathogenic. Following criteria are met: 0102 - Loss of function is a known mechanism of disease in this gene and is associated with neurodevelopmental disorder with or without autism or seizures (MIM#619239). Other variants that result in the skipping of exon 9 are associated with pseudohypoaldosteronism (MIM#614496) due to CUL3 dysfunction; however, the exact mechanism of disease for this condition is unknown (PMID: 29361671). (I) 0107 - This gene is associated with autosomal dominant disease. (I) 0115 - Variants in this gene are known to have variable expressivity and are associated with neurodevelopmental disorder with or without autism or seizures (OMIM). (I) 0201 - Variant is predicted to cause nonsense-mediated decay (NMD) and loss of protein (premature termination codon is located at least 54 nucleotides upstream of the final exon-exon junction). (SP) 0251 - This variant is heterozygous. (I) 0301 - Variant is absent from gnomAD (both v2 and v3). (SP) 0701 - Many other NMD-predicted variants comparable to the one identified in this case have very strong previous evidence for pathogenicity (DECIPHER). (SP) 0807 - This variant has no previous evidence of pathogenicity. (I) 0905 - No published segregation evidence has been identified for this variant. (I) 1007 - No published functional evidence has been identified for this variant. (I) 1208 - Inheritance information for this variant is not currently available in this individual. (I) Legend: (SP) - Supporting pathogenic, (I) - Information, (SB) - Supporting benign

Literature cited by the submitters: PubMed 29361671.